The following is an entry in ClinVar:

NM_024818.6(UBA5):c.942A>T (p.Glu314Asp)

Genes: NPHP3-ACAD11 (NPHP3-ACAD11 readthrough (NMD candidate); minus strand), UBA5 (ubiquitin like modifier activating enzyme 5; plus strand). Cytogenetic location: 3q22.1.
Variant type: single nucleotide variant.
Coding change: c.942A>T on transcript NM_024818.6 (MANE Select); coding-DNA position 942, A replaced by T.
Protein change: p.Glu314Asp; replaces glutamic acid 314 with aspartic acid.
Molecular consequence: missense variant.
Genome position (GRCh38, 1-based): chr3:132,675,377, A>T. VCF-style: chr3-132675377-A-T. GRCh37 (hg19) VCF-style: chr3-132394221-A-T.
Other names: c.942A>T (NM_024818.3); c.774A>T, p.Glu258Asp (NM_001320210.2, NM_198329.4); c.672A>T, p.Glu224Asp (NM_001321238.2); c.606A>T, p.Glu202Asp (NM_001321239.1); short protein forms E258D, E202D, E224D, E314D.
Identifiers: ClinVar variation 1411090 (VCV001411090.6), dbSNP rs751998415, ClinGen allele CA2621484.

ClinVar aggregate classification (germline): Uncertain significance. Review status: criteria provided, multiple submitters, no conflicts (2 of 4 stars). 3 submissions from 3 submitters: Uncertain significance (3). Last evaluated 2025-08-22.

Conditions:
Inborn genetic diseases. Identifiers: MedGen C0950123, MeSH D030342.

Allele frequency attached by ClinVar (database versions not stated): TOPMed 0.00001; gnomAD 0.00002; ExAC 0.00005; gnomAD exomes 0.00005 and 0.00007.
gnomAD v4.1: 110 of 1,613,408 alleles (0.0068%); highest among the groups gnomAD compares: Non-Finnish European, 0.0088%; no homozygotes.

Submissions (3):

Ambry Genetics
Classification: Uncertain significance for Inborn genetic diseases. Last evaluated: 2025-08-22. Review status: criteria provided, single submitter. Criteria: Ambry Variant Classification Scheme 2023. Collection method: clinical testing. Allele origin: germline.

Blueprint Genetics
Classification: Uncertain significance. Last evaluated: 2024-01-29. Review status: criteria provided, single submitter. Criteria: ACMG Guidelines, 2015. Collection method: clinical testing. Allele origin: germline.

Labcorp Genetics (formerly Invitae), Labcorp
Classification: Uncertain significance. Last evaluated: 2022-09-07. Review status: criteria provided, single submitter. Criteria: Invitae Variant Classification Sherloc (09022015). Collection method: clinical testing. Allele origin: germline.
Comment: This sequence change replaces glutamic acid, which is acidic and polar, with aspartic acid, which is acidic and polar, at codon 314 of the UBA5 protein (p.Glu314Asp). The frequency data for this variant in the population databases is considered unreliable, as metrics indicate poor data quality at this position in the gnomAD database. This variant has not been reported in the literature in individuals affected with UBA5-related conditions. ClinVar contains an entry for this variant (Variation ID: 1411090). Algorithms developed to predict the effect of missense changes on protein structure and function are either unavailable or do not agree on the potential impact of this missense change (SIFT: "Not Available"; PolyPhen-2: "Benign"; Align-GVGD: "Not Available"). In summary, the available evidence is currently insufficient to determine the role of this variant in disease. Therefore, it has been classified as a Variant of Uncertain Significance.